The following is an entry in ClinVar:

ClinVar aggregate classification (germline): Uncertain significance (1 of 4 stars; one submission).

Conditions:
Combined immunodeficiency due to STIM1 deficiency. Also called: IMMUNODEFICIENCY 10; STIM1 DEFICIENCY. Identifiers: Orphanet 169090, Orphanet 317430, MedGen C2748557, MONDO:0013008, OMIM 612783.
Myopathy with tubular aggregates (TAM). Also called: Tubular Aggregate Myopathy. Identifiers: Orphanet 2593, MedGen C0410207, MONDO:0008051.
Stormorken syndrome (STRMK). Also called: THROMBOCYTOPATHY, ASPLENIA, AND MIOSIS. Identifiers: Orphanet 3204, MedGen C1861451, MONDO:0008497, OMIM 185070.

Submission:

Labcorp Genetics (formerly Invitae), Labcorp
Classification: Uncertain significance for Myopathy with tubular aggregates; Combined immunodeficiency due to STIM1 deficiency; Stormorken syndrome. Last evaluated: 2024-03-16. Review status: criteria provided, single submitter. Criteria: Invitae Variant Classification Sherloc (09022015). Collection method: clinical testing. Allele origin: germline.
Comment: This sequence change replaces threonine, which is neutral and polar, with arginine, which is basic and polar, at codon 175 of the STIM1 protein (p.Thr175Arg). This variant is not present in population databases (gnomAD no frequency). This variant has not been reported in the literature in individuals affected with STIM1-related conditions. Advanced modeling of protein sequence and biophysical properties (such as structural, functional, and spatial information, amino acid conservation, physicochemical variation, residue mobility, and thermodynamic stability) has been performed at Invitae for this missense variant, however the output from this modeling did not meet the statistical confidence thresholds required to predict the impact of this variant on STIM1 protein function. In summary, the available evidence is currently insufficient to determine the role of this variant in disease. Therefore, it has been classified as a Variant of Uncertain Significance.

NM_001382567.1(STIM1):c.524C>G (p.Thr175Arg)

Gene: STIM1 (stromal interaction molecule 1; plus strand). Cytogenetic location: 11p15.4.
Variant type: single nucleotide variant.
Coding change: c.524C>G on transcript NM_001382567.1 (MANE Select); coding-DNA position 524, C replaced by G.
Protein change: p.Thr175Arg; replaces threonine 175 with arginine.
Molecular consequence: missense variant. On other transcripts: non-coding transcript variant (3), intron variant (1).
Genome position (GRCh38, 1-based): chr11:4,059,307, C>G. VCF-style: chr11-4059307-C-G. GRCh37 (hg19) VCF-style: chr11-4080537-C-G.
Other names: c.302C>G, p.Thr101Arg (NM_001382577.1, NM_001382578.1, NM_001382579.1 and 5 more transcripts); c.35C>G, p.Thr12Arg (NM_001382580.1, NM_001382581.1); c.524C>G, p.Thr175Arg (NM_003156.4, NM_001382568.1, NM_001382572.1 and 2 more transcripts); c.386-10719C>G (NM_001382570.1); c.389C>G, p.Thr130Arg (NM_001382569.1); c.44C>G, p.Thr15Arg (NM_001382571.1); short protein forms T101R, T12R, T130R, T15R, T175R.
Identifiers: ClinVar variation 3753018 (VCV003753018.2).